The following is an entry in ClinVar:

NM_001267550.2(TTN):c.105778C>T (p.His35260Tyr)

Genes: TTN (titin; minus strand), TTN-AS1 (TTN antisense RNA 1; plus strand), LOC129935183 (ATAC-STARR-seq lymphoblastoid active region 16808; plus strand). Cytogenetic location: 2q31.2.
Variant type: single nucleotide variant.
Coding change: c.105778C>T on transcript NM_001267550.2 (MANE Select); coding-DNA position 105778, C replaced by T.
Protein change: p.His35260Tyr; replaces histidine 35260 with tyrosine.
Molecular consequence: missense variant.
Genome position (GRCh38, 1-based): chr2:178,530,837, G>A on the plus strand (C>T on the coding strand, the complement: TTN is on the minus strand). VCF-style: chr2-178530837-G-A. GRCh37 (hg19) VCF-style: chr2-179395564-G-A.
Other names: c.100855C>T, p.His33619Tyr (NM_001256850.1); c.78583C>T, p.His26195Tyr (NM_003319.4); c.98074C>T, p.His32692Tyr (NM_133378.4); c.78958C>T, p.His26320Tyr (NM_133432.3); c.79159C>T, p.His26387Tyr (NM_133437.4); short protein forms H26320Y, H33619Y, H26195Y, H26387Y, H32692Y, H35260Y.
Identifiers: ClinVar variation 2004041 (VCV002004041.4), dbSNP rs2468385247, ClinGen allele CA349407795.

ClinVar aggregate classification (germline): Uncertain significance (1 of 4 stars; one submission).

Conditions:
Dilated cardiomyopathy 1G (CMD1G). Identifiers: Orphanet 154, MedGen C1858763, MONDO:0011400, OMIM 604145.
Autosomal recessive limb-girdle muscular dystrophy type 2J (LGMDR10). Also called: MUSCULAR DYSTROPHY, LIMB-GIRDLE, AUTOSOMAL RECESSIVE 10; Limb-girdle muscular dystrophy, type 2J. Identifiers: Orphanet 140922, MedGen C1837342, MONDO:0012127, OMIM 608807.

Allele frequency attached by ClinVar (database versions not stated): gnomAD exomes below 0.00001.
gnomAD v4.1: 1 of 1,613,878 alleles (0.000062%); highest among the groups gnomAD compares: Non-Finnish European, 0.000085%; no homozygotes.

Submission:

Labcorp Genetics (formerly Invitae), Labcorp
Classification: Uncertain significance for Dilated cardiomyopathy 1G; Autosomal recessive limb-girdle muscular dystrophy type 2J. Last evaluated: 2022-06-21. Review status: criteria provided, single submitter. Criteria: Invitae Variant Classification Sherloc (09022015). Collection method: clinical testing. Allele origin: germline.
Comment: This variant is located in the M band of TTN (PMID: 25589632). Variants in this region may be relevant for neuromuscular disorders, but have not been definitively shown to cause cardiomyopathy (PMID: 23975875). In summary, the available evidence is currently insufficient to determine the role of this variant in disease. Therefore, it has been classified as a Variant of Uncertain Significance. Experimental studies and prediction algorithms are not available or were not evaluated, and the functional significance of this variant is currently unknown. This variant has not been reported in the literature in individuals affected with TTN-related conditions. This variant is not present in population databases (gnomAD no frequency). This sequence change replaces histidine, which is basic and polar, with tyrosine, which is neutral and polar, at codon 35260 of the TTN protein (p.His35260Tyr).

Literature cited by the submitters: PubMed 25589632; PubMed 23975875.